The following is an entry in ClinVar:

NM_003803.4(MYOM1):c.2965A>C (p.Lys989Gln)

Gene: MYOM1 (myomesin 1; minus strand). Cytogenetic location: 18p11.31.
Variant type: single nucleotide variant.
Coding change: c.2965A>C on transcript NM_003803.4 (MANE Select); coding-DNA position 2965, A replaced by C.
Protein change: p.Lys989Gln; replaces lysine 989 with glutamine.
Molecular consequence: missense variant.
Genome position (GRCh38, 1-based): chr18:3,126,727, T>G on the plus strand (A>C on the coding strand, the complement: MYOM1 is on the minus strand). VCF-style: chr18-3126727-T-G. GRCh37 (hg19) VCF-style: chr18-3126725-T-G.
Other names: c.2677A>C, p.Lys893Gln (NM_019856.2); short protein forms K989Q, K893Q.
Identifiers: ClinVar variation 1361217 (VCV001361217.6), dbSNP rs775037346, ClinGen allele CA8874487.
Genomic context (GRCh38, chr18:3,126,727, plus strand): 5'-GGACACGCCACACTACAGAAAGTCACGTGCTTACCTTGTATGCCTCCTCACTGACAGCCT[T>G]GACATTGGCTTCTCTCCATTTTCCTGGTACCCCATCAATGACCTCGCGATAGTTCACATA-3'
Protein context (NP_003794.3, residues 979-999): VPGKWREANV[Lys989Gln]AVSEEAYKIS

ClinVar aggregate classification (germline): Uncertain significance (1 of 4 stars; one submission).

Conditions:
Hypertrophic cardiomyopathy. Also called: HYPERTROPHIC MYOCARDIOPATHY. Identifiers: Orphanet 217569, MedGen C0007194, MeSH D002312, MONDO:0005045, HP:0001639.

Allele frequency attached by ClinVar (database versions not stated): gnomAD exomes below 0.00001; TOPMed below 0.00001; ExAC 0.00001.

Submission:

Labcorp Genetics (formerly Invitae), Labcorp
Classification: Uncertain significance for Hypertrophic cardiomyopathy. Last evaluated: 2021-10-25. Review status: criteria provided, single submitter. Criteria: Invitae Variant Classification Sherloc (09022015). Collection method: clinical testing. Allele origin: germline.
Comment: This variant is present in population databases (rs775037346, ExAC 0.002%). This sequence change replaces lysine with glutamine at codon 989 of the MYOM1 protein (p.Lys989Gln). The lysine residue is moderately conserved and there is a small physicochemical difference between lysine and glutamine. This variant has not been reported in the literature in individuals affected with MYOM1-related conditions. In summary, the available evidence is currently insufficient to determine the role of this variant in disease. Therefore, it has been classified as a Variant of Uncertain Significance. Algorithms developed to predict the effect of missense changes on protein structure and function are either unavailable or do not agree on the potential impact of this missense change (SIFT: "Deleterious"; PolyPhen-2: "Possibly Damaging"; Align-GVGD: "Class C0").